The following is an entry in ClinVar:

NM_003470.3(USP7):c.755C>G (p.Ser252Trp)

Gene: USP7 (ubiquitin specific peptidase 7; minus strand). Cytogenetic location: 16p13.2.
Variant type: single nucleotide variant.
Coding change: c.755C>G on transcript NM_003470.3 (MANE Select); coding-DNA position 755, C replaced by G.
Protein change: p.Ser252Trp; replaces serine 252 with tryptophan.
Molecular consequence: missense variant. On other transcripts: non-coding transcript variant (1).
Genome position (GRCh38, 1-based): chr16:8,917,122, G>C on the plus strand (C>G on the coding strand, the complement: USP7 is on the minus strand). VCF-style: chr16-8917122-G-C. GRCh37 (hg19) VCF-style: chr16-9010979-G-C.
Other names: c.707C>G, p.Ser236Trp (NM_001286457.2); c.458C>G, p.Ser153Trp (NM_001286458.2); c.581C>G, p.Ser194Trp (NM_001321858.2); short protein forms S153W, S194W, S236W, S252W.
Identifiers: ClinVar variation 3360221 (VCV003360221.1).

ClinVar aggregate classification (germline): Uncertain significance (1 of 4 stars; one submission).

Submission:

GeneDx
Classification: Uncertain significance. Last evaluated: 2023-06-22. Review status: criteria provided, single submitter. Criteria: GeneDx Variant Classification Process June 2021. Collection method: clinical testing. Allele origin: germline. Affected: yes.
Comment: Not observed at significant frequency in large population cohorts (gnomAD); In silico analysis supports that this missense variant has a deleterious effect on protein structure/function; Has not been previously published as pathogenic or benign to our knowledge